The following is an entry in ClinVar:

ClinVar aggregate classification (germline): Uncertain significance (1 of 4 stars; one submission).

Conditions:
Cardiovascular phenotype. Identifiers: MedGen CN230736.

Submission:

Ambry Genetics
Classification: Uncertain significance for Cardiovascular phenotype. Last evaluated: 2025-09-24. Review status: criteria provided, single submitter. Criteria: Ambry Variant Classification Scheme 2023. Collection method: clinical testing. Allele origin: germline.
Comment: The p.T332S variant (also known as c.995C>G), located in coding exon 9 of the MYH7 gene, results from a C to G substitution at nucleotide position 995. The threonine at codon 332 is replaced by serine, an amino acid with similar properties. This amino acid position is highly conserved in available vertebrate species. In addition, this alteration is predicted to be deleterious by in silico analysis. Based on the available evidence, the clinical significance of this variant remains unclear.

NM_000257.4(MYH7):c.995C>G (p.Thr332Ser)

Gene: MYH7 (myosin heavy chain 7; minus strand). Cytogenetic location: 14q11.2.
Variant type: single nucleotide variant.
Coding change: c.995C>G on transcript NM_000257.4 (MANE Select); coding-DNA position 995, C replaced by G.
Protein change: p.Thr332Ser; replaces threonine 332 with serine.
Molecular consequence: missense variant.
Genome position (GRCh38, 1-based): chr14:23,430,564, G>C on the plus strand (C>G on the coding strand, the complement: MYH7 is on the minus strand). VCF-style: chr14-23430564-G-C. GRCh37 (hg19) VCF-style: chr14-23899773-G-C.
Other names: c.995C>G, p.Thr332Ser (NM_001407004.1); short protein forms T332S.
Identifiers: ClinVar variation 4614640 (VCV004614640.1).
Genomic context (GRCh38, chr14:23,430,564, plus strand): 5'-TGTTTGCCCCTCACTGCCAATCCTCCCACCCCCTGGCTGGGTCCTCACACACTCACATCA[G>C]TGGCCATGAGCTCCTCAGCGTCATCAATGGAGGCCACGGTGGTCTCTCCTTGGGAGATGA-3'
Protein context (NP_000248.2, residues 322-342): SIDDAEELMA[Thr332Ser]DNAFDVLGFT